The following is an entry in ClinVar:

NM_001256447.2(BCAP31):c.41C>T (p.Ala14Val)

Gene: BCAP31 (B cell receptor associated protein 31; minus strand). Cytogenetic location: Xq28.
Variant type: single nucleotide variant.
Coding change: c.41C>T on transcript NM_001256447.2 (MANE Select); coding-DNA position 41, C replaced by T.
Protein change: p.Ala14Val; replaces alanine 14 with valine.
Molecular consequence: missense variant.
Genome position (GRCh38, 1-based): chrX:153,723,204, G>A on the plus strand (C>T on the coding strand, the complement: BCAP31 is on the minus strand). VCF-style: chrX-153723204-G-A. GRCh37 (hg19) VCF-style: chrX-152988659-G-A.
Other names: c.41C>T, p.Ala14Val (NM_001139441.1, NM_005745.8); c.242C>T, p.Ala81Val (NM_001139457.2); short protein forms A14V, A81V.
Identifiers: ClinVar variation 2109034 (VCV002109034.4), dbSNP rs782751265, ClinGen allele CA10549856.

ClinVar aggregate classification (germline): Uncertain significance (1 of 4 stars; one submission).

Allele frequency attached by ClinVar (database versions not stated): TOPMed 0.00002.

Submission:

Labcorp Genetics (formerly Invitae), Labcorp
Classification: Uncertain significance. Last evaluated: 2022-05-04. Review status: criteria provided, single submitter. Criteria: Invitae Variant Classification Sherloc (09022015). Collection method: clinical testing. Allele origin: germline.
Comment: In summary, the available evidence is currently insufficient to determine the role of this variant in disease. Therefore, it has been classified as a Variant of Uncertain Significance. Algorithms developed to predict the effect of missense changes on protein structure and function (SIFT, PolyPhen-2, Align-GVGD) all suggest that this variant is likely to be tolerated. This variant has not been reported in the literature in individuals affected with BCAP31-related conditions. The frequency data for this variant in the population databases is considered unreliable, as metrics indicate poor data quality at this position in the gnomAD database. This sequence change replaces alanine, which is neutral and non-polar, with valine, which is neutral and non-polar, at codon 14 of the BCAP31 protein (p.Ala14Val).